The following is an entry in ClinVar:

ClinVar aggregate classification (germline): Uncertain significance (1 of 4 stars; one submission).

Conditions:
EGFR-related lung cancer (EGFR). Identifiers: MedGen CN130014.

Submission:

Labcorp Genetics (formerly Invitae), Labcorp
Classification: Uncertain significance for EGFR-related lung cancer. Last evaluated: 2025-07-31. Review status: criteria provided, single submitter. Criteria: Invitae Variant Classification Sherloc (09022015). Collection method: clinical testing. Allele origin: germline.
Comment: This sequence change replaces serine, which is neutral and polar, with isoleucine, which is neutral and non-polar, at codon 1205 of the EGFR protein (p.Ser1205Ile). This variant is not present in population databases (gnomAD no frequency). This variant has not been reported in the literature in individuals affected with EGFR-related conditions. ClinVar contains an entry for this variant (Variation ID: 1513850). An algorithm developed to predict the effect of missense changes on protein structure and function (PolyPhen-2) suggests that this variant is likely to be tolerated. In summary, the available evidence is currently insufficient to determine the role of this variant in disease. Therefore, it has been classified as a Variant of Uncertain Significance.

NM_005228.5(EGFR):c.3614G>T (p.Ser1205Ile)

Gene: EGFR (epidermal growth factor receptor; plus strand). Cytogenetic location: 7p11.2.
Variant type: single nucleotide variant.
Coding change: c.3614G>T on transcript NM_005228.5 (MANE Select); coding-DNA position 3614, G replaced by T.
Protein change: p.Ser1205Ile; replaces serine 1205 with isoleucine.
Molecular consequence: missense variant.
Genome position (GRCh38, 1-based): chr7:55,205,598, G>T. VCF-style: chr7-55205598-G-T. GRCh37 (hg19) VCF-style: chr7-55273291-G-T.
Other names: c.3479G>T, p.Ser1160Ile (NM_001346899.2); c.3455G>T, p.Ser1152Ile (NM_001346900.2); c.2813G>T, p.Ser938Ile (NM_001346941.2); short protein forms S1152I, S1160I, S1205I, S938I.
Identifiers: ClinVar variation 1513850 (VCV001513850.8), dbSNP rs2128975680, ClinGen allele CA367585012.
Genomic context (GRCh38, chr7:55,205,598, plus strand): 5'-GCATCTTTAAGGGCTCCACAGCTGAAAATGCAGAATACCTAAGGGTCGCGCCACAAAGCA[G>T]TGAATTTATTGGAGCATGACCACGGAGGATAGTATGAGCCCTAAAAATCCAGACTCTTTC-3'
Protein context (NP_005219.2, residues 1195-1210): AEYLRVAPQS[Ser1205Ile]EFIGA